The following is an entry in ClinVar:

ClinVar aggregate classification (germline): Likely benign (1 of 4 stars; one submission).

Allele frequency attached by ClinVar (database versions not stated): TOPMed 0.00002; 1000 Genomes Project 30x 0.00016; 1000 Genomes Project 0.00020.
gnomAD v4.1: 43 of 1,556,592 alleles (0.0028%); highest among the groups gnomAD compares: East Asian, 0.023%; no homozygotes.

Submission:

CeGaT Center for Human Genetics Tuebingen
Classification: Likely benign. Last evaluated: 2022-12-01. Review status: criteria provided, single submitter. Criteria: CeGaT Center For Human Genetics Tuebingen Variant Classification Criteria Version 2. Collection method: clinical testing. Allele origin: germline. Affected: yes. Observed: 1 variant allele.
Comment: NEU4: BP4, BP7

NM_001167600.3(NEU4):c.450C>T (p.Ala150=)

Gene: NEU4 (neuraminidase 4; plus strand). Cytogenetic location: 2q37.3.
Variant type: single nucleotide variant.
Coding change: c.450C>T on transcript NM_001167600.3 (MANE Select); coding-DNA position 450, C replaced by T.
Protein change: p.Ala150=; no amino-acid change (alanine 150 retained).
Molecular consequence: synonymous variant.
Genome position (GRCh38, 1-based): chr2:241,815,140, C>T. VCF-style: chr2-241815140-C-T. GRCh37 (hg19) VCF-style: chr2-242756337-C-T.
Other names: c.489C>T, p.Ala163= (NM_001167599.3); c.450C>T, p.Ala150= (NM_001167601.3, NM_001167602.3); c.486C>T, p.Ala162= (NM_080741.4).
Identifiers: ClinVar variation 2652119 (VCV002652119.24), dbSNP rs533165662, ClinGen allele CA2222881.